The following is an entry in ClinVar:

NM_001040142.2(SCN2A):c.5066T>C (p.Val1689Ala)

Gene: SCN2A (sodium voltage-gated channel alpha subunit 2; plus strand). Cytogenetic location: 2q24.3.
Variant type: single nucleotide variant.
Coding change: c.5066T>C on transcript NM_001040142.2 (MANE Select); coding-DNA position 5066, T replaced by C.
Protein change: p.Val1689Ala; replaces valine 1689 with alanine.
Molecular consequence: missense variant.
Genome position (GRCh38, 1-based): chr2:165,388,872, T>C. VCF-style: chr2-165388872-T-C. GRCh37 (hg19) VCF-style: chr2-166245382-T-C.
Other names: c.5066T>C, p.Val1689Ala (NM_001040143.2, NM_001371246.1, NM_001371247.1 and 1 more transcripts); short protein forms V1689A.
Identifiers: ClinVar variation 1187863 (VCV001187863.5), dbSNP rs766554576, ClinGen allele CA59752442.

ClinVar aggregate classification (germline): Uncertain significance. Review status: criteria provided, multiple submitters, no conflicts (2 of 4 stars). 2 submissions from 2 submitters: Uncertain significance (2). Last evaluated 2025-01-17.

Conditions:
Developmental and epileptic encephalopathy, 11 (DEE11). Also called: Early infantile epileptic encephalopathy 11. Identifiers: Orphanet 1934, MedGen C3150987, MONDO:0013388, OMIM 613721.
Seizures, benign familial infantile, 3 (BFIS3). Also called: CONVULSIONS, BENIGN FAMILIAL INFANTILE, 3; Familial neonatal seizures. Identifiers: Orphanet 140927, Orphanet 306, MedGen C1843140, MONDO:0011904, OMIM 607745.

Allele frequency attached by ClinVar (database versions not stated): gnomAD exomes below 0.00001.
gnomAD v4.1: 2 of 1,614,102 alleles (0.00012%); highest among the groups gnomAD compares: Non-Finnish European, 0.00017%; no homozygotes.

Submissions (2):

Labcorp Genetics (formerly Invitae), Labcorp
Classification: Uncertain significance for Seizures, benign familial infantile, 3; Developmental and epileptic encephalopathy, 11. Last evaluated: 2025-01-17. Review status: criteria provided, single submitter. Criteria: Invitae Variant Classification Sherloc (09022015). Collection method: clinical testing. Allele origin: germline.
Comment: This sequence change replaces valine, which is neutral and non-polar, with alanine, which is neutral and non-polar, at codon 1689 of the SCN2A protein (p.Val1689Ala). This variant is not present in population databases (gnomAD no frequency). This variant has not been reported in the literature in individuals affected with SCN2A-related conditions. ClinVar contains an entry for this variant (Variation ID: 1187863). Invitae Evidence Modeling of protein sequence and biophysical properties (such as structural, functional, and spatial information, amino acid conservation, physicochemical variation, residue mobility, and thermodynamic stability) indicates that this missense variant is not expected to disrupt SCN2A protein function with a negative predictive value of 95%. In summary, the available evidence is currently insufficient to determine the role of this variant in disease. Therefore, it has been classified as a Variant of Uncertain Significance.

GeneDx
Classification: Uncertain significance. Last evaluated: 2021-01-07. Review status: criteria provided, single submitter. Criteria: GeneDx Variant Classification Process June 2021. Collection method: clinical testing. Allele origin: germline. Affected: yes.
Comment: Not observed in large population cohorts (Lek et al., 2016); Missense variants in this gene are often considered pathogenic (Stenson et al., 2014); In silico analysis supports that this missense variant does not alter protein structure/function; Has not been previously published as pathogenic or benign to our knowledge; This substitution is predicted to be within the extracellular loop between the S5 and S6 transmembrane segments of the fourth homologous domain